The following is an entry in ClinVar:

NM_006766.5(KAT6A):c.5301T>A (p.His1767Gln)

Gene: KAT6A (lysine acetyltransferase 6A; minus strand). Cytogenetic location: 8p11.21.
Variant type: single nucleotide variant.
Coding change: c.5301T>A on transcript NM_006766.5 (MANE Select); coding-DNA position 5301, T replaced by A.
Protein change: p.His1767Gln; replaces histidine 1767 with glutamine.
Molecular consequence: missense variant.
Genome position (GRCh38, 1-based): chr8:41,932,919, A>T on the plus strand (T>A on the coding strand, the complement: KAT6A is on the minus strand). VCF-style: chr8-41932919-A-T. GRCh37 (hg19) VCF-style: chr8-41790437-A-T.
Other names: short protein forms H1767Q.
Identifiers: ClinVar variation 4702758 (VCV004702758.1).
Genomic context (GRCh38, chr8:41,932,919, plus strand): 5'-GGACAGAGAAACACTGGTTGCATAGGAAGTCACAGCAGGAGAATGGCTATAAGGCATGGC[A>T]TGAGGGTCCATAATGGTGTTGGTCAGCTGCTGCAGCTTGGCTAGGCTGAAGGTGGCTGAT-3'
Protein context (NP_006757.2, residues 1757-1777): QQLTNTIMDP[His1767Gln]AMPYSHSPAV

ClinVar aggregate classification (germline): Uncertain significance (1 of 4 stars; one submission).

gnomAD v4.1: 8 of 1,614,166 alleles (0.0005%); highest among the groups gnomAD compares: Non-Finnish European, 0.00068%; no homozygotes.

Submission:

Labcorp Genetics (formerly Invitae), Labcorp
Classification: Uncertain significance. Last evaluated: 2025-12-15. Review status: criteria provided, single submitter. Criteria: Invitae Variant Classification Sherloc (09022015). Collection method: clinical testing. Allele origin: germline.
Comment: This sequence change replaces histidine, which is basic and polar, with glutamine, which is neutral and polar, at codon 1767 of the KAT6A protein (p.His1767Gln). This variant is not present in population databases (gnomAD no frequency). This variant has not been reported in the literature in individuals affected with KAT6A-related conditions. Invitae Evidence Modeling of protein sequence and biophysical properties (such as structural, functional, and spatial information, amino acid conservation, physicochemical variation, residue mobility, and thermodynamic stability) indicates that this missense variant is not expected to disrupt KAT6A protein function with a negative predictive value of 95%. In summary, the available evidence is currently insufficient to determine the role of this variant in disease. Therefore, it has been classified as a Variant of Uncertain Significance.